The following is an entry in ClinVar:

NM_003611.3(OFD1):c.1522C>T (p.His508Tyr)

Gene: OFD1 (OFD1 centriole and centriolar satellite protein; plus strand). Cytogenetic location: Xp22.2.
Variant type: single nucleotide variant.
Coding change: c.1522C>T on transcript NM_003611.3 (MANE Select); coding-DNA position 1522, C replaced by T.
Protein change: p.His508Tyr; replaces histidine 508 with tyrosine.
Molecular consequence: missense variant.
Genome position (GRCh38, 1-based): chrX:13,757,770, C>T. VCF-style: chrX-13757770-C-T. GRCh37 (hg19) VCF-style: chrX-13775889-C-T.
Other names: c.1522C>T (NM_003611.2); c.1402C>T, p.His468Tyr (NM_001330209.2); c.1102C>T, p.His368Tyr (NM_001330210.2); short protein forms H368Y, H468Y, H508Y.
Identifiers: ClinVar variation 1981821 (VCV001981821.5), dbSNP rs2047767639, ClinGen allele CA412343209.
Genomic context (GRCh38, chrX:13,757,770, plus strand): 5'-AAAGCCGAAAAGGCTATAGTGGTTGAGCATGAGGAGTTCGAAAGCTGCAGGCAAGCTCTG[C>T]ACAAACAACTGCAAGACGAAGTGAGTATTGCTCTTCTTCAGTTCTAGTGTGATACCAGTA-3'
Protein context (NP_003602.1, residues 498-518): EEFESCRQAL[His508Tyr]KQLQDEIEHS

ClinVar aggregate classification (germline): Uncertain significance. Review status: criteria provided, multiple submitters, no conflicts (2 of 4 stars). 2 submissions from 2 submitters: Uncertain significance (2). Last evaluated 2026-07-26.

Conditions:
Primary ciliary dyskinesia. Also called: Ciliary dyskinesia. Identifiers: Orphanet 244, MedGen C0008780, MONDO:0016575, HP:0012265.
Orofaciodigital syndrome I (OFD1). Also called: Papillon-Leage and Psaume Syndrome; Oral-Facial-Digital Syndrome Type I; OFDS I. Identifiers: Orphanet 2750, MedGen C1510460, MONDO:0010702, OMIM 311200.
Joubert syndrome. Also called: Familial aplasia of the vermis; JOUBERT-BOLTSHAUSER SYNDROME. Identifiers: Orphanet 475, MedGen C5979921, MONDO:0018772.

Submissions (2):

Ambry Genetics
Classification: Uncertain significance for Primary ciliary dyskinesia. Last evaluated: 2026-07-26. Review status: criteria provided, single submitter. Criteria: Ambry Variant Classification Scheme 2023. Collection method: clinical testing. Allele origin: germline.
Comment: The p.H508Y variant (also known as c.1522C>T), located in coding exon 14 of the OFD1 gene, results from a C to T substitution at nucleotide position 1522. The histidine at codon 508 is replaced by tyrosine, an amino acid with similar properties. This amino acid position is conserved. In addition, this alteration is predicted to be tolerated by in silico analysis. Based on the available evidence, the clinical significance of this variant remains unclear.

Labcorp Genetics (formerly Invitae), Labcorp
Classification: Uncertain significance for Orofaciodigital syndrome I; Joubert syndrome. Last evaluated: 2025-05-18. Review status: criteria provided, single submitter. Criteria: Invitae Variant Classification Sherloc (09022015). Collection method: clinical testing. Allele origin: germline.
Comment: This sequence change replaces histidine, which is basic and polar, with tyrosine, which is neutral and polar, at codon 508 of the OFD1 protein (p.His508Tyr). This variant is not present in population databases (gnomAD no frequency). This variant has not been reported in the literature in individuals affected with OFD1-related conditions. ClinVar contains an entry for this variant (Variation ID: 1981821). Invitae Evidence Modeling of protein sequence and biophysical properties (such as structural, functional, and spatial information, amino acid conservation, physicochemical variation, residue mobility, and thermodynamic stability) indicates that this missense variant is not expected to disrupt OFD1 protein function with a negative predictive value of 80%. In summary, the available evidence is currently insufficient to determine the role of this variant in disease. Therefore, it has been classified as a Variant of Uncertain Significance.